The following is an entry in ClinVar:

ClinVar aggregate classification (germline): Likely benign (1 of 4 stars; one submission).

Submission:

GeneDx
Classification: Likely benign. Last evaluated: 2017-03-20. Review status: criteria provided, single submitter. Criteria: GeneDx Variant Classification (06012015). Collection method: clinical testing. Allele origin: germline. Affected: yes.
Comment: This variant is considered likely benign or benign based on one or more of the following criteria: it is a conservative change, it occurs at a poorly conserved position in the protein, it is predicted to be benign by multiple in silico algorithms, and/or has population frequency not consistent with disease.

NM_001267550.2(TTN):c.24867A>G (p.Gly8289=)

Gene: TTN (titin; minus strand). Cytogenetic location: 2q31.2.
Variant type: single nucleotide variant.
Coding change: c.24867A>G on transcript NM_001267550.2 (MANE Select); coding-DNA position 24867, A replaced by G.
Protein change: p.Gly8289=; no amino-acid change (glycine 8289 retained).
Molecular consequence: synonymous variant. On other transcripts: intron variant (3).
Genome position (GRCh38, 1-based): chr2:178,718,139, T>C on the plus strand (A>G on the coding strand, the complement: TTN is on the minus strand). VCF-style: chr2-178718139-T-C. GRCh37 (hg19) VCF-style: chr2-179582866-T-C.
Other names: c.23916A>G, p.Gly7972= (NM_001256850.1); c.21135A>G, p.Gly7045= (NM_133378.4); c.13282+19943A>G (NM_003319.4); c.13858+19943A>G (NM_133437.4); c.13657+19943A>G (NM_133432.3).
Identifiers: ClinVar variation 508372 (VCV000508372.1), dbSNP rs1553902696, ClinGen allele CA430286247.